The following is an entry in ClinVar:

NM_017777.4(MKS1):c.522C>T (p.Gly174=)

Gene: MKS1 (MKS transition zone complex subunit 1; minus strand). Cytogenetic location: 17q22.
Variant type: single nucleotide variant.
Coding change: c.522C>T on transcript NM_017777.4 (MANE Select); coding-DNA position 522, C replaced by T.
Protein change: p.Gly174=; no amino-acid change (glycine 174 retained).
Molecular consequence: synonymous variant. On other transcripts: 5 prime UTR variant (1).
Genome position (GRCh38, 1-based): chr17:58,214,381, G>A on the plus strand (C>T on the coding strand, the complement: MKS1 is on the minus strand). VCF-style: chr17-58214381-G-A. GRCh37 (hg19) VCF-style: chr17-56291742-G-A.
Other names: c.-88C>T (NM_001321268.2); c.522C>T, p.Gly174= (NM_001321269.2, NM_001330397.2); c.522C>T (NM_017777.3).
Identifiers: ClinVar variation 1114402 (VCV001114402.12), dbSNP rs780657802, ClinGen allele CA8669479.
Genomic context (GRCh38, chr17:58,214,381, plus strand): 5'-GTTGTTCCTGACAAACTCTTCTGAGGGCTCCCAGGTGACGATGCGTGACTTGAGGATGCC[G>A]CCCTCCCTGGGAGACACCACAGAAAGGTCACTTCCCTGGCACACCCCAATGGAGCACCCC-3'
Protein context (NP_060247.2, residues 164-184): RRRQDRRGME[Gly174=]GILKSRIVTW

ClinVar aggregate classification (germline): Likely benign. Review status: criteria provided, multiple submitters, no conflicts (2 of 4 stars). 3 submissions from 3 submitters: Likely benign (2). 1 of the submissions does not count toward it. Last evaluated 2025-06-23.

Conditions:
MKS1-related disorder. Also called: MKS1-related condition; MKS1-related disorders. Identifiers: MedGen CN239382.
Meckel-Gruber syndrome. Also called: DYSENCEPHALIA SPLANCHNOCYSTICA; GRUBER SYNDROME; Dysencephalia splachnocystica. Identifiers: Orphanet 564, MedGen C0265215, MONDO:0018921.
Joubert syndrome. Also called: JOUBERT-BOLTSHAUSER SYNDROME; Familial aplasia of the vermis. Identifiers: Orphanet 475, MedGen C5979921, MONDO:0018772.

Allele frequency attached by ClinVar (database versions not stated): gnomAD 0.00001; ExAC 0.00002; gnomAD exomes 0.00002 and 0.00008; TOPMed 0.00003.

Submissions (3):

Labcorp Genetics (formerly Invitae), Labcorp
Classification: Likely benign for Joubert syndrome; Meckel-Gruber syndrome. Last evaluated: 2025-06-23. Review status: criteria provided, single submitter. Criteria: Invitae Variant Classification Sherloc (09022015). Collection method: clinical testing. Allele origin: germline.

Blueprint Genetics
Classification: Likely benign. Last evaluated: 2024-02-07. Review status: criteria provided, single submitter. Criteria: ACMG Guidelines, 2015. Collection method: clinical testing. Allele origin: germline.

PreventionGenetics, part of Exact Sciences
Classification: Likely benign for MKS1-related condition. Last evaluated: 2019-09-13. Review status: no assertion criteria provided. Collection method: clinical testing. Allele origin: germline. Not counted in ClinVar's aggregate classification.
Comment: This variant is classified as likely benign based on ACMG/AMP sequence variant interpretation guidelines (Richards et al. 2015 PMID: 25741868, with internal and published modifications).